The following is an entry in ClinVar:

NM_001378964.1(CDON):c.2974C>T (p.Arg992Cys)

Gene: CDON (cell adhesion associated, oncogene regulated; minus strand). Cytogenetic location: 11q24.2.
Variant type: single nucleotide variant.
Coding change: c.2974C>T on transcript NM_001378964.1 (MANE Select); coding-DNA position 2974, C replaced by T.
Protein change: p.Arg992Cys; replaces arginine 992 with cysteine.
Molecular consequence: missense variant.
Genome position (GRCh38, 1-based): chr11:125,983,893, G>A on the plus strand (C>T on the coding strand, the complement: CDON is on the minus strand). VCF-style: chr11-125983893-G-A. GRCh37 (hg19) VCF-style: chr11-125853788-G-A.
Other names: c.2974C>T, p.Arg992Cys (NM_001243597.3, NM_016952.6); short protein forms R992C.
Identifiers: ClinVar variation 3664587 (VCV003664587.2).

ClinVar aggregate classification (germline): Uncertain significance (1 of 4 stars; one submission).

Conditions:
Holoprosencephaly 11 (HPE11). Identifiers: Orphanet 2162, MedGen C3280215, MONDO:0013642, OMIM 614226.

gnomAD v4.1: 22 of 1,613,630 alleles (0.0014%); highest among the groups gnomAD compares: East Asian, 0.022%; no homozygotes.

Submission:

Labcorp Genetics (formerly Invitae), Labcorp
Classification: Uncertain significance for Holoprosencephaly 11. Last evaluated: 2024-03-05. Review status: criteria provided, single submitter. Criteria: Invitae Variant Classification Sherloc (09022015). Collection method: clinical testing. Allele origin: germline.
Comment: This sequence change replaces arginine, which is basic and polar, with cysteine, which is neutral and slightly polar, at codon 992 of the CDON protein (p.Arg992Cys). This variant is present in population databases (no rsID available, gnomAD 0.02%). This variant has not been reported in the literature in individuals affected with CDON-related conditions. Advanced modeling of protein sequence and biophysical properties (such as structural, functional, and spatial information, amino acid conservation, physicochemical variation, residue mobility, and thermodynamic stability) has been performed at Invitae for this missense variant, however the output from this modeling did not meet the statistical confidence thresholds required to predict the impact of this variant on CDON protein function. In summary, the available evidence is currently insufficient to determine the role of this variant in disease. Therefore, it has been classified as a Variant of Uncertain Significance.